The following is an entry in ClinVar:

NM_003159.3(CDKL5):c.2972A>G (p.Gln991Arg)

Genes: CDKL5 (cyclin dependent kinase like 5; plus strand), RS1 (retinoschisin 1; minus strand). Cytogenetic location: Xp22.13.
Variant type: single nucleotide variant.
Coding change: c.2972A>G on transcript NM_003159.3; coding-DNA position 2972, A replaced by G.
Protein change: p.Gln991Arg; replaces glutamine 991 with arginine.
Molecular consequence: missense variant. On other transcripts: intron variant (1).
Genome position (GRCh38, 1-based): chrX:18,650,584, A>G. VCF-style: chrX-18650584-A-G. GRCh37 (hg19) VCF-style: chrX-18668704-A-G.
Other names: c.2972A>G, p.Gln991Arg (NM_001037343.2); c.185-3252T>C (NM_000330.4); short protein forms Q991R.
Identifiers: ClinVar variation 3265535 (VCV003265535.3).
Genomic context (GRCh38, chrX:18,650,584, plus strand): 5'-GCACTTCCATGTGCCCGACACTCCAGGTCCGAGGCACTGATGCTTTCAGCTGCCCAACCC[A>G]GCAATCCGGTAAGCAGAGACTCTAGACCGGTGGGGCTCAGCCTGGGCTGTACCTCGGAAT-3'

ClinVar aggregate classification (germline): Conflicting classifications of pathogenicity. Review status: criteria provided, conflicting classifications (1 of 4 stars). 2 submissions from 2 submitters: Uncertain significance (1); Likely benign (1). Last evaluated 2024-08-15.

Conditions:
Developmental and epileptic encephalopathy, 2 (DEE2). Also called: CDKL5 deficiency disorder; INFANTILE SPASM SYNDROME, X-LINKED 2. Identifiers: Orphanet 1934, Orphanet 3451, Orphanet 505652, MedGen C4750718, MONDO:0010396, OMIM 300672.
Angelman syndrome-like. Identifiers: MedGen CN128785.
Inborn genetic diseases. Identifiers: MedGen C0950123, MeSH D030342.

gnomAD v4.1: 1 of 1,210,644 alleles (0.000083%); highest among the groups gnomAD compares: African/African-American, 0.0017%; no homozygotes.

Submissions (2):

Labcorp Genetics (formerly Invitae), Labcorp
Classification: Uncertain significance for Developmental and epileptic encephalopathy, 2; Angelman syndrome-like. Last evaluated: 2024-08-15. Review status: criteria provided, single submitter. Criteria: Invitae Variant Classification Sherloc (09022015). Collection method: clinical testing. Allele origin: germline.
Comment: This sequence change replaces glutamine, which is neutral and polar, with arginine, which is basic and polar, at codon 991 of the CDKL5 protein (p.Gln991Arg). This variant is present in population databases (no rsID available, gnomAD 0.02%). This variant has not been reported in the literature in individuals affected with CDKL5-related conditions. Invitae Evidence Modeling of protein sequence and biophysical properties (such as structural, functional, and spatial information, amino acid conservation, physicochemical variation, residue mobility, and thermodynamic stability) indicates that this missense variant is not expected to disrupt CDKL5 protein function with a negative predictive value of 95%. In summary, the available evidence is currently insufficient to determine the role of this variant in disease. Therefore, it has been classified as a Variant of Uncertain Significance.

Ambry Genetics
Classification: Likely benign for Inborn genetic diseases. Last evaluated: 2024-05-08. Review status: criteria provided, single submitter. Criteria: Ambry Variant Classification Scheme 2023. Collection method: clinical testing. Allele origin: germline.